The following is an entry in ClinVar:

ClinVar aggregate classification (germline): Uncertain significance. Review status: criteria provided, multiple submitters, no conflicts (2 of 4 stars). 3 submissions from 3 submitters: Uncertain significance (3). Last evaluated 2024-12-10.

Conditions:
Hereditary spastic paraplegia 48. Also called: SPASTIC PARAPLEGIA 48, AUTOSOMAL RECESSIVE; Spastic paraplegia 48. Identifiers: Orphanet 306511, MedGen C3150901, MONDO:0013342, OMIM 613647.

Allele frequency attached by ClinVar (database versions not stated): ExAC 0.00011; 1000 Genomes Project 30x 0.00016; gnomAD 0.00019 and 0.00024; 1000 Genomes Project 0.00020; ESP Exome Variant Server 0.00040.

Submissions (3):

Women's Health and Genetics/Laboratory Corporation of America, LabCorp
Classification: Uncertain significance. Last evaluated: 2024-12-10. Review status: criteria provided, single submitter. Criteria: LabCorp Variant Classification Summary - May 2015. Collection method: clinical testing. Allele origin: germline.
Comment: Variant summary: AP5Z1 c.8C>T (p.Ser3Leu) results in a non-conservative amino acid change in the encoded protein sequence. Four of five in-silico tools predict a benign effect of the variant on protein function. The variant allele was found at a frequency of 7e-05 in 241600 control chromosomes. This frequency is not significantly higher than estimated for a pathogenic variant in AP5Z1 causing Hereditary Spastic Paraplegia 48, allowing no conclusion about variant significance. To our knowledge, no occurrence of c.8C>T in individuals affected with Hereditary Spastic Paraplegia 48 and no experimental evidence demonstrating its impact on protein function have been reported. ClinVar contains an entry for this variant (Variation ID: 1428396). Based on the evidence outlined above, the variant was classified as uncertain significance.

Labcorp Genetics (formerly Invitae), Labcorp
Classification: Uncertain significance for Hereditary spastic paraplegia 48. Last evaluated: 2024-02-24. Review status: criteria provided, single submitter. Criteria: Invitae Variant Classification Sherloc (09022015). Collection method: clinical testing. Allele origin: germline.
Comment: This sequence change replaces serine, which is neutral and polar, with leucine, which is neutral and non-polar, at codon 3 of the AP5Z1 protein (p.Ser3Leu). This variant is present in population databases (rs201971666, gnomAD 0.08%). This variant has not been reported in the literature in individuals affected with AP5Z1-related conditions. ClinVar contains an entry for this variant (Variation ID: 1428396). An algorithm developed to predict the effect of missense changes on protein structure and function (PolyPhen-2) suggests that this variant is likely to be disruptive. In summary, the available evidence is currently insufficient to determine the role of this variant in disease. Therefore, it has been classified as a Variant of Uncertain Significance.

Mayo Clinic Laboratories, Mayo Clinic
Classification: Uncertain significance. Last evaluated: 2022-09-22. Review status: criteria provided, single submitter. Criteria: ACMG Guidelines, 2015. Collection method: clinical testing. Allele origin: germline. Observed: 1 variant allele.
Comment: BP4

NM_014855.3(AP5Z1):c.8C>T (p.Ser3Leu)

Genes: AP5Z1 (adaptor related protein complex 5 subunit zeta 1; plus strand), LOC129997861 (ATAC-STARR-seq lymphoblastoid active region 25565; plus strand). Cytogenetic location: 7p22.1.
Variant type: single nucleotide variant.
Coding change: c.8C>T on transcript NM_014855.3 (MANE Select); coding-DNA position 8, C replaced by T.
Protein change: p.Ser3Leu; replaces serine 3 with leucine.
Molecular consequence: missense variant. On other transcripts: 5 prime UTR variant (1), non-coding transcript variant (1).
Genome position (GRCh38, 1-based): chr7:4,775,723, C>T. VCF-style: chr7-4775723-C-T. GRCh37 (hg19) VCF-style: chr7-4815354-C-T.
Other names: p.Ser3Leu; c.-274C>T (NM_001364858.1); c.8C>T (NM_014855.2); short protein forms S3L.
Identifiers: ClinVar variation 1428396 (VCV001428396.8), dbSNP rs201971666, ClinGen allele CA4136997.
Genomic context (GRCh38, chr7:4,775,723, plus strand): 5'-GCTGCAGCTCCTGGAGTTTCCGAGGTTCGTGCGCGTCTGGTGGCGGCGGCGTGATGTTCT[C>T]GGCAGGAGCGGAGAGTTTGCTCCACCAGGCCAGGTACGGGGGAGCTGCGGCCCCGGCCCT-3'
Protein context (NP_055670.1, residues 1-13): MF[Ser3Leu]AGAESLLHQA